The following is an entry in ClinVar:

ClinVar aggregate classification (germline): Uncertain significance. Review status: criteria provided, multiple submitters, no conflicts (2 of 4 stars). 3 submissions from 3 submitters: Uncertain significance (3). Last evaluated 2024-03-06.

Conditions:
Cardiomyopathy (CMYO). Also called: Cardiomyopathies. Identifiers: Orphanet 167848, MedGen C0878544, MONDO:0004994, HP:0001638. Inheritance: Various modes of inheritance.
Arrhythmogenic cardiomyopathy with wooly hair and keratoderma. Also called: Carvajal syndrome; PALMOPLANTAR KERATODERMA WITH LEFT VENTRICULAR CARDIOMYOPATHY AND WOOLLY HAIR; Dilated cardiomyopathy with woolly hair and keratoderma; Arrhythmogenic cardiomyopathy with woolly hair and keratoderma. Identifiers: Orphanet 65282, MedGen C1854063, MONDO:0011581, OMIM 605676.

Allele frequency attached by ClinVar (database versions not stated): TOPMed below 0.00001; gnomAD 0.00001.

Submissions (3):

Color Diagnostics, LLC DBA Color Health
Classification: Uncertain significance for Cardiomyopathy. Last evaluated: 2024-03-06. Review status: criteria provided, single submitter. Criteria: ACMG Guidelines, 2015. Collection method: clinical testing. Allele origin: germline.
Comment: This missense variant replaces glycine with aspartic acid at codon 6 of the DSP protein. Computational prediction suggests that this variant may not impact protein structure and function (internally defined REVEL score threshold <= 0.5, PMID: 27666373). To our knowledge, functional studies have not been reported for this variant. This variant has not been reported in individuals affected with DSP-related disorders in the literature. This variant has not been identified in the general population by the Genome Aggregation Database (gnomAD). The available evidence is insufficient to determine the role of this variant in disease conclusively. Therefore, this variant is classified as a Variant of Uncertain Significance.

All of Us Research Program, National Institutes of Health
Classification: Uncertain significance for Arrhythmogenic cardiomyopathy with wooly hair and keratoderma. Last evaluated: 2023-02-24. Review status: criteria provided, single submitter. Criteria: ACMG Guidelines, 2015. Collection method: clinical testing. Allele origin: germline. Inheritance: Autosomal dominant inheritance. Observed: 1 variant allele, 1 heterozygote.
Comment: This missense variant replaces glycine with aspartic acid at codon 6 of the DSP protein. Computational prediction suggests that this variant may not impact protein structure and function (internally defined REVEL score threshold <= 0.5, PMID: 27666373). To our knowledge, functional studies have not been reported for this variant. This variant has not been reported in individuals affected with DSP-related disorders in the literature. This variant has not been identified in the general population by the Genome Aggregation Database (gnomAD). The available evidence is insufficient to determine the role of this variant in disease conclusively. Therefore, this variant is classified as a Variant of Uncertain Significance.

This study involves interpretation of variants in research participants for the purpose of population health screening. Participant phenotype was not available at the time of variant classification. Additional details can be found in publication PMID: 35346344, PMCID: PMC8962531

Blueprint Genetics
Classification: Uncertain significance. Last evaluated: 2023-01-19. Review status: criteria provided, single submitter. Criteria: ACMG Guidelines, 2015. Collection method: clinical testing. Allele origin: germline.

NM_004415.4(DSP):c.17G>A (p.Gly6Asp)

Genes: DSP (desmoplakin; plus strand), DSP-AS1 (DSP antisense RNA 1; minus strand). Cytogenetic location: 6p24.3.
Variant type: single nucleotide variant.
Coding change: c.17G>A on transcript NM_004415.4 (MANE Select); coding-DNA position 17, G replaced by A.
Protein change: p.Gly6Asp; replaces glycine 6 with aspartic acid.
Molecular consequence: missense variant.
Genome position (GRCh38, 1-based): chr6:7,541,932, G>A. VCF-style: chr6-7541932-G-A. GRCh37 (hg19) VCF-style: chr6-7542165-G-A.
Other names: c.17G>A, p.Gly6Asp (NM_001008844.3, NM_001319034.2); short protein forms G6D.
Identifiers: ClinVar variation 925001 (VCV000925001.7), dbSNP rs1339636876, ClinGen allele CA362675446.